The following is an entry in ClinVar:

ClinVar aggregate classification (germline): Uncertain significance (1 of 4 stars; one submission).

Conditions:
Inborn genetic diseases. Identifiers: MedGen C0950123, MeSH D030342.

Submission:

Ambry Genetics
Classification: Uncertain significance for Inborn genetic diseases. Last evaluated: 2025-06-20. Review status: criteria provided, single submitter. Criteria: Ambry Variant Classification Scheme 2023. Collection method: clinical testing. Allele origin: germline.
Comment: The p.S206Y variant (also known as c.617C>A), located in coding exon 6 of the PAX5 gene, results from a C to A substitution at nucleotide position 617. The serine at codon 206 is replaced by tyrosine, an amino acid with dissimilar properties. This amino acid position is conserved. In addition, this alteration is predicted to be deleterious by in silico analysis. Based on the available evidence, the clinical significance of this variant remains unclear.

NM_016734.3(PAX5):c.617C>A (p.Ser206Tyr)

Gene: PAX5 (paired box 5; minus strand). Cytogenetic location: 9p13.2.
Variant type: single nucleotide variant.
Coding change: c.617C>A on transcript NM_016734.3 (MANE Select); coding-DNA position 617, C replaced by A.
Protein change: p.Ser206Tyr; replaces serine 206 with tyrosine.
Molecular consequence: missense variant. On other transcripts: non-coding transcript variant (2).
Genome position (GRCh38, 1-based): chr9:36,966,712, G>T on the plus strand (C>A on the coding strand, the complement: PAX5 is on the minus strand). VCF-style: chr9-36966712-G-T. GRCh37 (hg19) VCF-style: chr9-36966709-G-T.
Other names: c.617C>A, p.Ser206Tyr (NM_001280548.2, NM_001280549.2, NM_001280550.2 and 2 more transcripts); c.293C>A, p.Ser98Tyr (NM_001280551.2, NM_001280556.2); c.488C>A, p.Ser163Tyr (NM_001280553.2, NM_001280554.2); c.419C>A, p.Ser140Tyr (NM_001280555.2); short protein forms S98Y, S206Y, S140Y, S163Y.
Identifiers: ClinVar variation 4131393 (VCV004131393.1).